The following is an entry in ClinVar:

NM_002439.5(MSH3):c.2850T>A (p.Ser950Arg)

Gene: MSH3 (mutS homolog 3; plus strand). Cytogenetic location: 5q14.1.
Variant type: single nucleotide variant.
Coding change: c.2850T>A on transcript NM_002439.5 (MANE Select); coding-DNA position 2850, T replaced by A.
Protein change: p.Ser950Arg; replaces serine 950 with arginine.
Molecular consequence: missense variant.
Genome position (GRCh38, 1-based): chr5:80,854,166, T>A. VCF-style: chr5-80854166-T-A. GRCh37 (hg19) VCF-style: chr5-80149985-T-A.
Other names: short protein forms S950R.
Identifiers: ClinVar variation 649617 (VCV000649617.8), dbSNP rs370312921, ClinGen allele CA360275534.
Genomic context (GRCh38, chr5:80,854,166, plus strand): 5'-AAGGTGTTTTCATCTTGCTTGTAGGATGGGTGCTGCAGACAATATATATAAAGGACAGAG[T>A]ACATTTATGGAAGAACTGACTGACACAGCAGAAATAATCAGAAAAGCAACATCACAGTCC-3'
Protein context (NP_002430.3, residues 940-960): GAADNIYKGQ[Ser950Arg]TFMEELTDTA

ClinVar aggregate classification (germline): Uncertain significance (1 of 4 stars; one submission).

Submission:

Labcorp Genetics (formerly Invitae), Labcorp
Classification: Uncertain significance. Last evaluated: 2023-12-12. Review status: criteria provided, single submitter. Criteria: Invitae Variant Classification Sherloc (09022015). Collection method: clinical testing. Allele origin: germline.
Comment: This sequence change replaces serine, which is neutral and polar, with arginine, which is basic and polar, at codon 950 of the MSH3 protein (p.Ser950Arg). This variant is not present in population databases (gnomAD no frequency). This variant has not been reported in the literature in individuals affected with MSH3-related conditions. ClinVar contains an entry for this variant (Variation ID: 649617). An algorithm developed to predict the effect of missense changes on protein structure and function (PolyPhen-2) suggests that this variant is likely to be disruptive. In summary, the available evidence is currently insufficient to determine the role of this variant in disease. Therefore, it has been classified as a Variant of Uncertain Significance.